The following is an entry in ClinVar:

NM_004415.4(DSP):c.8000A>G (p.Gln2667Arg)

Gene: DSP (desmoplakin; plus strand). Cytogenetic location: 6p24.3.
Variant type: single nucleotide variant.
Coding change: c.8000A>G on transcript NM_004415.4 (MANE Select); coding-DNA position 8000, A replaced by G.
Protein change: p.Gln2667Arg; replaces glutamine 2667 with arginine.
Molecular consequence: missense variant.
Genome position (GRCh38, 1-based): chr6:7,585,262, A>G. VCF-style: chr6-7585262-A-G. GRCh37 (hg19) VCF-style: chr6-7585495-A-G.
Other names: c.6203A>G, p.Gln2068Arg (NM_001008844.3); c.6671A>G, p.Gln2224Arg (NM_001319034.2); short protein forms Q2068R, Q2224R, Q2667R.
Identifiers: ClinVar variation 2012215 (VCV002012215.6), dbSNP rs1265293656, ClinGen allele CA362694229.

ClinVar aggregate classification (germline): Uncertain significance. Review status: criteria provided, multiple submitters, no conflicts (2 of 4 stars). 3 submissions from 3 submitters: Uncertain significance (3). Last evaluated 2025-07-15.

Conditions:
Arrhythmogenic cardiomyopathy with wooly hair and keratoderma. Also called: PALMOPLANTAR KERATODERMA WITH LEFT VENTRICULAR CARDIOMYOPATHY AND WOOLLY HAIR; Carvajal syndrome; Dilated cardiomyopathy with woolly hair and keratoderma; Arrhythmogenic cardiomyopathy with woolly hair and keratoderma. Identifiers: Orphanet 65282, MedGen C1854063, MONDO:0011581, OMIM 605676.
Arrhythmogenic right ventricular dysplasia 8 (ARVD8). Also called: ARRHYTHMOGENIC RIGHT VENTRICULAR DYSPLASIA, FAMILIAL, 8; Arrhythmogenic Right Ventricular Dysplasia/Cardiomyopathy 8; ARRHYTHMOGENIC RIGHT VENTRICULAR CARDIOMYOPATHY 8. Identifiers: MedGen C1843896, MONDO:0011831, OMIM 607450.
Cardiomyopathy (CMYO). Also called: Cardiomyopathies. Identifiers: Orphanet 167848, MedGen C0878544, MONDO:0004994, HP:0001638. Inheritance: Various modes of inheritance.

Allele frequency attached by ClinVar (database versions not stated): gnomAD exomes below 0.00001.
gnomAD v4.1: 2 of 1,614,210 alleles (0.00012%); highest among the groups gnomAD compares: Non-Finnish European, 0.00017%; no homozygotes.

Submissions (3):

Color Diagnostics, LLC DBA Color Health
Classification: Uncertain significance for Cardiomyopathy. Last evaluated: 2025-07-15. Review status: criteria provided, single submitter. Criteria: ACMG Guidelines, 2015. Collection method: clinical testing. Allele origin: germline.
Comment: This missense variant replaces glutamine with arginine at codon 2667 of the DSP protein. Computational prediction suggests that this variant may not impact protein structure and function. To our knowledge, functional studies have not been reported for this variant. This variant has been reported in an individual affected with hypertrophic cardiomyopathy (PMID: 38757491). This variant has not been identified in the general population by the Genome Aggregation Database (gnomAD). The available evidence is insufficient to determine the role of this variant in disease conclusively. Therefore, this variant is classified as a Variant of Uncertain Significance.

All of Us Research Program, National Institutes of Health
Classification: Uncertain significance for Arrhythmogenic cardiomyopathy with wooly hair and keratoderma. Last evaluated: 2023-06-08. Review status: criteria provided, single submitter. Criteria: ACMG Guidelines, 2015. Collection method: clinical testing. Allele origin: germline. Inheritance: Autosomal dominant inheritance. Observed: 1 variant allele, 1 heterozygote.
Comment: This missense variant replaces glutamine with arginine at codon 2667 of the DSP protein. Computational prediction suggests that this variant may not impact protein structure and function (internally defined REVEL score threshold <= 0.5, PMID: 27666373). To our knowledge, functional studies have not been reported for this variant. This variant has not been reported in individuals affected with DSP-related disorders in the literature. This variant has not been identified in the general population by the Genome Aggregation Database (gnomAD). The available evidence is insufficient to determine the role of this variant in disease conclusively. Therefore, this variant is classified as a Variant of Uncertain Significance.

This study involves interpretation of variants in research participants for the purpose of population health screening. Participant phenotype was not available at the time of variant classification. Additional details can be found in publication PMID: 35346344, PMCID: PMC8962531

Labcorp Genetics (formerly Invitae), Labcorp
Classification: Uncertain significance for Arrhythmogenic cardiomyopathy with wooly hair and keratoderma; Arrhythmogenic right ventricular dysplasia 8. Last evaluated: 2022-09-01. Review status: criteria provided, single submitter. Criteria: Invitae Variant Classification Sherloc (09022015). Collection method: clinical testing. Allele origin: germline.
Comment: This sequence change replaces glutamine, which is neutral and polar, with arginine, which is basic and polar, at codon 2667 of the DSP protein (p.Gln2667Arg). This variant is not present in population databases (gnomAD no frequency). In summary, the available evidence is currently insufficient to determine the role of this variant in disease. Therefore, it has been classified as a Variant of Uncertain Significance. Algorithms developed to predict the effect of missense changes on protein structure and function are either unavailable or do not agree on the potential impact of this missense change (SIFT: "Tolerated"; PolyPhen-2: "Probably Damaging"; Align-GVGD: "Class C0"). This variant has not been reported in the literature in individuals affected with DSP-related conditions.

Literature cited by the submitters: PubMed 38757491 (cited by Color Diagnostics, LLC DBA Color Health).